The following is an entry in ClinVar:

ClinVar aggregate classification (germline): Uncertain significance (1 of 4 stars; one submission).

Conditions:
Hereditary cancer-predisposing syndrome. Also called: Neoplastic Syndromes, Hereditary; Tumor predisposition; Hereditary neoplastic syndrome; Hereditary Cancer Syndrome. Identifiers: Orphanet 140162, MedGen C0027672, MeSH D009386, MONDO:0015356.

Submission:

Ambry Genetics
Classification: Uncertain significance for Hereditary cancer-predisposing syndrome. Last evaluated: 2026-07-06. Review status: criteria provided, single submitter. Criteria: Ambry Variant Classification Scheme 2023. Collection method: clinical testing. Allele origin: germline.
Comment: The p.G212V variant (also known as c.635G>T), located in coding exon 3 of the PHOX2B gene, results from a G to T substitution at nucleotide position 635. The glycine at codon 212 is replaced by valine, an amino acid with dissimilar properties. This amino acid position is conserved. In addition, this alteration is predicted to be tolerated by in silico analysis. Based on the available evidence, the clinical significance of this variant remains unclear.

NM_003924.4(PHOX2B):c.635G>T (p.Gly212Val)

Gene: PHOX2B (paired like homeobox 2B; minus strand). Cytogenetic location: 4p13.
Variant type: single nucleotide variant.
Coding change: c.635G>T on transcript NM_003924.4 (MANE Select); coding-DNA position 635, G replaced by T.
Protein change: p.Gly212Val; replaces glycine 212 with valine.
Molecular consequence: missense variant.
Genome position (GRCh38, 1-based): chr4:41,746,117, C>A on the plus strand (G>T on the coding strand, the complement: PHOX2B is on the minus strand). VCF-style: chr4-41746117-C-A. GRCh37 (hg19) VCF-style: chr4-41748134-C-A.
Other names: short protein forms G212V.
Identifiers: ClinVar variation 5026552 (VCV005026552.1).